The following is an entry in ClinVar:

NM_000135.4(FANCA):c.437C>A (p.Ser146Tyr)

Gene: FANCA (FA complementation group A; minus strand). Cytogenetic location: 16q24.3.
Variant type: single nucleotide variant.
Coding change: c.437C>A on transcript NM_000135.4 (MANE Select); coding-DNA position 437, C replaced by A.
Protein change: p.Ser146Tyr; replaces serine 146 with tyrosine.
Molecular consequence: missense variant. On other transcripts: intron variant (1).
Genome position (GRCh38, 1-based): chr16:89,810,792, G>T on the plus strand (C>A on the coding strand, the complement: FANCA is on the minus strand). VCF-style: chr16-89810792-G-T. GRCh37 (hg19) VCF-style: chr16-89877200-G-T.
Other names: c.437C>A, p.Ser146Tyr (NM_001018112.3, NM_001286167.3); c.426+137C>A (NM_001351830.2); short protein forms S146Y.
Identifiers: ClinVar variation 4748024 (VCV004748024.1).

ClinVar aggregate classification (germline): Uncertain significance (1 of 4 stars; one submission).

Conditions:
Fanconi anemia (FA). Also called: Fanconi's anemia. Identifiers: Orphanet 84, MedGen C0015625, MeSH D005199, MONDO:0019391.

Submission:

Labcorp Genetics (formerly Invitae), Labcorp
Classification: Uncertain significance for Fanconi anemia. Last evaluated: 2025-12-13. Review status: criteria provided, single submitter. Criteria: Invitae Variant Classification Sherloc (09022015). Collection method: clinical testing. Allele origin: germline.
Comment: This sequence change replaces serine, which is neutral and polar, with tyrosine, which is neutral and polar, at codon 146 of the FANCA protein (p.Ser146Tyr). This variant is not present in population databases (gnomAD no frequency). This variant has not been reported in the literature in individuals affected with FANCA-related conditions. Invitae Evidence Modeling of protein sequence and biophysical properties (such as structural, functional, and spatial information, amino acid conservation, physicochemical variation, residue mobility, and thermodynamic stability) indicates that this missense variant is not expected to disrupt FANCA protein function with a negative predictive value of 95%. In summary, the available evidence is currently insufficient to determine the role of this variant in disease. Therefore, it has been classified as a Variant of Uncertain Significance.